The following is an entry in ClinVar:

ClinVar aggregate classification (germline): Uncertain significance (1 of 4 stars; one submission).

Conditions:
KBG syndrome (KBGS). Also called: ANKRD11-Related KBG Syndrome. Identifiers: Orphanet 2332, MedGen C0220687, MONDO:0007846, OMIM 148050.

gnomAD v4.1: 1 of 1,613,908 alleles (0.000062%); no homozygotes.

Submission:

Labcorp Genetics (formerly Invitae), Labcorp
Classification: Uncertain significance for KBG syndrome. Last evaluated: 2023-08-24. Review status: criteria provided, single submitter. Criteria: Invitae Variant Classification Sherloc (09022015). Collection method: clinical testing. Allele origin: germline.
Comment: Advanced modeling of protein sequence and biophysical properties (such as structural, functional, and spatial information, amino acid conservation, physicochemical variation, residue mobility, and thermodynamic stability) performed at Invitae indicates that this missense variant is not expected to disrupt ANKRD11 protein function. This variant has not been reported in the literature in individuals affected with ANKRD11-related conditions. This variant is not present in population databases (gnomAD no frequency). This sequence change replaces arginine, which is basic and polar, with lysine, which is basic and polar, at codon 1165 of the ANKRD11 protein (p.Arg1165Lys). In summary, the available evidence is currently insufficient to determine the role of this variant in disease. Therefore, it has been classified as a Variant of Uncertain Significance.

NM_013275.6(ANKRD11):c.3494G>A (p.Arg1165Lys)

Gene: ANKRD11 (ankyrin repeat domain 11; minus strand). Cytogenetic location: 16q24.3.
Variant type: single nucleotide variant.
Coding change: c.3494G>A on transcript NM_013275.6 (MANE Select); coding-DNA position 3494, G replaced by A.
Protein change: p.Arg1165Lys; replaces arginine 1165 with lysine.
Molecular consequence: missense variant.
Genome position (GRCh38, 1-based): chr16:89,283,048, C>T on the plus strand (G>A on the coding strand, the complement: ANKRD11 is on the minus strand). VCF-style: chr16-89283048-C-T. GRCh37 (hg19) VCF-style: chr16-89349456-C-T.
Other names: c.3494G>A, p.Arg1165Lys (NM_001256182.2, NM_001256183.2); short protein forms R1165K.
Identifiers: ClinVar variation 2803612 (VCV002803612.3), dbSNP rs2544237219, ClinGen allele CA397159684.